The following is an entry in ClinVar:

NM_016580.4(PCDH12):c.3434C>T (p.Thr1145Ile)

Gene: PCDH12 (protocadherin 12; minus strand). Cytogenetic location: 5q31.3.
Variant type: single nucleotide variant.
Coding change: c.3434C>T on transcript NM_016580.4 (MANE Select); coding-DNA position 3434, C replaced by T.
Protein change: p.Thr1145Ile; replaces threonine 1145 with isoleucine.
Molecular consequence: missense variant.
Genome position (GRCh38, 1-based): chr5:141,945,502, G>A on the plus strand (C>T on the coding strand, the complement: PCDH12 is on the minus strand). VCF-style: chr5-141945502-G-A. GRCh37 (hg19) VCF-style: chr5-141325067-G-A.
Other names: short protein forms T1145I.
Identifiers: ClinVar variation 1716633 (VCV001716633.5), dbSNP rs1191957458, ClinGen allele CA361563346.

ClinVar aggregate classification (germline): Uncertain significance (1 of 4 stars; one submission).

Allele frequency attached by ClinVar (database versions not stated): gnomAD exomes below 0.00001.
gnomAD v4.1: 2 of 1,613,630 alleles (0.00012%); highest among the groups gnomAD compares: Non-Finnish European, 0.00017%; no homozygotes.

Submission:

Labcorp Genetics (formerly Invitae), Labcorp
Classification: Uncertain significance. Last evaluated: 2022-08-17. Review status: criteria provided, single submitter. Criteria: Invitae Variant Classification Sherloc (09022015). Collection method: clinical testing. Allele origin: germline.
Comment: This variant is present in population databases (no rsID available, gnomAD 0.002%). In summary, the available evidence is currently insufficient to determine the role of this variant in disease. Therefore, it has been classified as a Variant of Uncertain Significance. Advanced modeling of protein sequence and biophysical properties (such as structural, functional, and spatial information, amino acid conservation, physicochemical variation, residue mobility, and thermodynamic stability) performed at Invitae indicates that this missense variant is not expected to disrupt PCDH12 protein function. This variant has not been reported in the literature in individuals affected with PCDH12-related conditions. This sequence change replaces threonine, which is neutral and polar, with isoleucine, which is neutral and non-polar, at codon 1145 of the PCDH12 protein (p.Thr1145Ile).